The following is an entry in ClinVar:

NM_000059.4(BRCA2):c.8641A>G (p.Thr2881Ala)

Gene: BRCA2 (BRCA2 DNA repair associated; plus strand). Cytogenetic location: 13q13.1.
Variant type: single nucleotide variant.
Coding change: c.8641A>G on transcript NM_000059.4 (MANE Select); coding-DNA position 8641, A replaced by G.
Protein change: p.Thr2881Ala; replaces threonine 2881 with alanine.
Molecular consequence: missense variant.
Genome position (GRCh38, 1-based): chr13:32,376,678, A>G. VCF-style: chr13-32376678-A-G. GRCh37 (hg19) VCF-style: chr13-32950815-A-G.
Other names: short protein forms T2881A.
Identifiers: ClinVar variation 822624 (VCV000822624.12), dbSNP rs1593934753, ClinGen allele CA387754634.

ClinVar aggregate classification (germline): Conflicting classifications of pathogenicity. Review status: criteria provided, conflicting classifications (1 of 4 stars). 5 submissions from 5 submitters: Uncertain significance (4); Likely benign (1). Last evaluated 2025-02-05.

Conditions:
Hereditary cancer-predisposing syndrome. Also called: Hereditary Cancer Syndrome; Neoplastic Syndromes, Hereditary; Hereditary neoplastic syndrome; Tumor predisposition. Identifiers: Orphanet 140162, MedGen C0027672, MeSH D009386, MONDO:0015356.
Hereditary breast ovarian cancer syndrome. Also called: Hereditary breast and ovarian cancer syndrome (HBOC); Hereditary breast and ovarian cancer syndrome; Breast and ovarian cancer; Hereditary breast and/or ovarian cancer syndrome; BRCA1- and BRCA2-Associated Hereditary Breast and Ovarian Cancer; Hereditary breast and ovarian cancer. Identifiers: Orphanet 145, MedGen C0677776, MeSH D061325, MONDO:0003582. Disease mechanism: loss of function.
Breast-ovarian cancer, familial, susceptibility to, 2 (BROVCA2). Also called: BRCA2 Hereditary Breast and Ovarian Cancer. Identifiers: Orphanet 145, MedGen C2675520, MONDO:0012933, OMIM 612555. Disease mechanism: loss of function.

Allele frequency attached by ClinVar (database versions not stated): gnomAD exomes below 0.00001.
gnomAD v4.1: 2 of 1,614,170 alleles (0.00012%); highest among the groups gnomAD compares: Non-Finnish European, 0.00017%; no homozygotes.

Submissions (5):

Quest Diagnostics Nichols Institute San Juan Capistrano
Classification: Uncertain significance. Last evaluated: 2025-02-05. Review status: criteria provided, single submitter. Criteria: Quest Diagnostics criteria. Collection method: clinical testing. Allele origin: unknown.
Comment: The BRCA2 c.8641A>G (p.Thr2881Ala) variant has not been reported in the published literature in individuals with BRCA2-related disorders. A multifactorial likelihood study reported this variant as uncertain (PMID: 31131967 (2019)). This variant has not been reported in large, multi-ethnic general populations (Genome Aggregation Database). Analysis of this variant using bioinformatics tools for the prediction of the effect of amino acid changes on protein structure and function yielded predictions that this variant is benign. Based on the available information, we are unable to determine the clinical significance of this variant.

All of Us Research Program, National Institutes of Health
Classification: Uncertain significance for Breast-ovarian cancer, familial, susceptibility to, 2. Last evaluated: 2023-12-01. Review status: criteria provided, single submitter. Criteria: ACMG Guidelines, 2015. Collection method: clinical testing. Allele origin: germline. Inheritance: Autosomal dominant inheritance. Observed: 1 variant allele, 1 heterozygote.
Comment: This missense variant replaces threonine with alanine at codon 2881 of the BRCA2 protein. Computational prediction suggests that this variant may not impact protein structure and function (internally defined REVEL score threshold <= 0.5, PMID: 27666373). To our knowledge, functional studies have not been reported for this variant. This variant has been reported in a multifactorial analysis with a segregation likelihood ratio for pathogenicity of 1.0157 (PMID: 31131967). This variant has not been identified in the general population by the Genome Aggregation Database (gnomAD). The available evidence is insufficient to determine the role of this variant in disease conclusively. Therefore, this variant is classified as a Variant of Uncertain Significance.

This study involves interpretation of variants in research participants for the purpose of population health screening. Participant phenotype was not available at the time of variant classification. Additional details can be found in publication PMID: 35346344, PMCID: PMC8962531

Labcorp Genetics (formerly Invitae), Labcorp
Classification: Uncertain significance for Hereditary breast ovarian cancer syndrome. Last evaluated: 2023-10-22. Review status: criteria provided, single submitter. Criteria: Invitae Variant Classification Sherloc (09022015). Collection method: clinical testing. Allele origin: germline.
Comment: This sequence change replaces threonine, which is neutral and polar, with alanine, which is neutral and non-polar, at codon 2881 of the BRCA2 protein (p.Thr2881Ala). This variant is not present in population databases (gnomAD no frequency). This variant has not been reported in the literature in individuals affected with BRCA2-related conditions. ClinVar contains an entry for this variant (Variation ID: 822624). Advanced modeling of protein sequence and biophysical properties (such as structural, functional, and spatial information, amino acid conservation, physicochemical variation, residue mobility, and thermodynamic stability) performed at Invitae indicates that this missense variant is not expected to disrupt BRCA2 protein function. In summary, the available evidence is currently insufficient to determine the role of this variant in disease. Therefore, it has been classified as a Variant of Uncertain Significance.

GeneDx
Classification: Uncertain significance. Last evaluated: 2021-03-15. Review status: criteria provided, single submitter. Criteria: GeneDx Variant Classification Process June 2021. Collection method: clinical testing. Allele origin: germline. Affected: yes.
Comment: Not observed in large population cohorts (Lek 2016); In silico analysis supports that this missense variant does not alter protein structure/function; Has not been previously published as pathogenic or benign to our knowledge; Also known as 8869A>G; This variant is associated with the following publications: (PMID: 31131967)

Ambry Genetics
Classification: Likely benign for Hereditary cancer-predisposing syndrome. Last evaluated: 2019-05-23. Review status: criteria provided, single submitter. Criteria: Ambry Variant Classification Scheme 2023. Collection method: clinical testing. Allele origin: germline.

Literature cited by the submitters: PubMed 31131967 (cited by Quest Diagnostics Nichols Institute San Juan Capistrano and All of Us Research Program, National Institutes of Health).